The following is an entry in ClinVar:

NM_182914.3(SYNE2):c.10457A>G (p.Asp3486Gly)

Gene: SYNE2 (spectrin repeat containing nuclear envelope protein 2; plus strand). Cytogenetic location: 14q23.2.
Variant type: single nucleotide variant.
Coding change: c.10457A>G on transcript NM_182914.3 (MANE Select); coding-DNA position 10457, A replaced by G.
Protein change: p.Asp3486Gly; replaces aspartic acid 3486 with glycine.
Molecular consequence: missense variant.
Genome position (GRCh38, 1-based): chr14:64,070,670, A>G. VCF-style: chr14-64070670-A-G. GRCh37 (hg19) VCF-style: chr14-64537388-A-G.
Other names: c.10457A>G, p.Asp3486Gly (NM_015180.6); short protein forms D3486G.
Identifiers: ClinVar variation 586752 (VCV000586752.9), dbSNP rs768214736, ClinGen allele CA7221528.
Genomic context (GRCh38, chr14:64,070,670, plus strand): 5'-TTACTTATTTTAGTTCTTTTTGTTTTTTGAATTAGATTGAACGAGAGGCAATTATTTTAG[A>G]TAATCTTCAGGAAGAACTCCCTGAAATTTCCAAAACAAAAGAGGCAGCCACCACAGAGGA-3'
Protein context (NP_878918.2, residues 3476-3496): EEIEREAIIL[Asp3486Gly]NLQEELPEIS

ClinVar aggregate classification (germline): Uncertain significance. Review status: criteria provided, multiple submitters, no conflicts (2 of 4 stars). 4 submissions from 4 submitters: Uncertain significance (4). Last evaluated 2025-11-17.

Conditions:
Emery-Dreifuss muscular dystrophy 5, autosomal dominant (EDMD5). Also called: EMERY-DREIFUSS MUSCULAR DYSTROPHY 5. Identifiers: Orphanet 261, MedGen C2751805, MONDO:0013072, OMIM 612999.

Allele frequency attached by ClinVar (database versions not stated): gnomAD exomes below 0.00001 and 0.00001; ExAC 0.00001; gnomAD 0.00007; TOPMed 0.00013.
gnomAD v4.1: 19 of 1,613,562 alleles (0.0012%); highest among the groups gnomAD compares: African/African-American, 0.017%; no homozygotes.

Submissions (4):

Labcorp Genetics (formerly Invitae), Labcorp
Classification: Uncertain significance for Emery-Dreifuss muscular dystrophy 5, autosomal dominant. Last evaluated: 2025-11-17. Review status: criteria provided, single submitter. Criteria: Invitae Variant Classification Sherloc (09022015). Collection method: clinical testing. Allele origin: germline.
Comment: This sequence change replaces aspartic acid, which is acidic and polar, with glycine, which is neutral and non-polar, at codon 3486 of the SYNE2 protein (p.Asp3486Gly). This variant is present in population databases (rs768214736, gnomAD 0.03%). This variant has not been reported in the literature in individuals affected with SYNE2-related conditions. ClinVar contains an entry for this variant (Variation ID: 586752). An algorithm developed to predict the effect of missense changes on protein structure and function (PolyPhen-2) suggests that this variant is likely to be disruptive. In summary, the available evidence is currently insufficient to determine the role of this variant in disease. Therefore, it has been classified as a Variant of Uncertain Significance.

Ambry Genetics
Classification: Uncertain significance. Last evaluated: 2025-08-21. Review status: criteria provided, single submitter. Criteria: Ambry Variant Classification Scheme 2023. Collection method: clinical testing. Allele origin: germline.

Blueprint Genetics
Classification: Uncertain significance. Last evaluated: 2019-10-11. Review status: criteria provided, single submitter. Criteria: ACMG Guidelines, 2015. Collection method: clinical testing. Allele origin: germline.

Athena Diagnostics
Classification: Uncertain significance. Last evaluated: 2017-10-24. Review status: criteria provided, single submitter. Criteria: Athena Diagnostics Criteria. Collection method: clinical testing. Allele origin: germline.